The following is an entry in ClinVar:

NM_001142800.2(EYS):c.2029C>T (p.Gln677Ter)

Gene: EYS (EGF-like photoreceptor maintenance factor; minus strand). Cytogenetic location: 6q12.
Variant type: single nucleotide variant.
Coding change: c.2029C>T on transcript NM_001142800.2 (MANE Select); coding-DNA position 2029, C replaced by T.
Protein change: p.Gln677Ter; replaces glutamine 677 with a stop codon.
Molecular consequence: nonsense.
Genome position (GRCh38, 1-based): chr6:65,057,722, G>A on the plus strand (C>T on the coding strand, the complement: EYS is on the minus strand). VCF-style: chr6-65057722-G-A. GRCh37 (hg19) VCF-style: chr6-65767615-G-A.
Other names: c.2029C>T, p.Gln677Ter (NM_001292009.2); short protein forms Q677*.
Identifiers: ClinVar variation 5012716 (VCV005012716.1).

ClinVar aggregate classification (germline): Pathogenic (1 of 4 stars; one submission).

Conditions:
Retinitis pigmentosa 25 (RP25). Identifiers: Orphanet 791, MedGen C1864446, MONDO:0011272, OMIM 602772.

Submission:

Myriad Genetics, Inc.
Classification: Pathogenic for Retinitis pigmentosa 25. Last evaluated: 2024-02-08. Review status: criteria provided, single submitter. Criteria: Myriad Autosomal Dominant, Autosomal Recessive and X-Linked Classification Criteria (2023). Collection method: clinical testing. Allele origin: unknown.
Comment: NM_001142800.1(EYS):c.2029C>T(Q677*) is expected to be pathogenic in the context of retinitis pigmentosa, EYS-related. This variant is predicted to lead to an abnormal or absent protein product due to the creation of a premature termination codon in EYS, a gene where loss-of-function variants are known to be pathogenic. Please note: this variant was assessed in the context of healthy population screening.